The following is an entry in ClinVar:

ClinVar aggregate classification (germline): Conflicting classifications of pathogenicity. Review status: criteria provided, conflicting classifications (1 of 4 stars). 28 submissions from 24 submitters: Uncertain significance (11); Benign (2); Likely benign (9). 6 of the submissions do not count toward it. Last evaluated 2026-04-29.

Conditions:
Dilated cardiomyopathy 1G (CMD1G). Identifiers: Orphanet 154, MedGen C1858763, MONDO:0011400, OMIM 604145.
Autosomal recessive limb-girdle muscular dystrophy type 2J (LGMDR10). Also called: Limb-girdle muscular dystrophy, type 2J; MUSCULAR DYSTROPHY, LIMB-GIRDLE, AUTOSOMAL RECESSIVE 10. Identifiers: Orphanet 140922, MedGen C1837342, MONDO:0012127, OMIM 608807.
TTN-related disorder. Also called: TTN-related condition; TTN-related disease; TTN-related disorders.
Cardiovascular phenotype. Identifiers: MedGen CN230736.
Tibial muscular dystrophy (TMD). Also called: Udd Distal Myopathy – Tibial Muscular Dystrophy; UDD MYOPATHY; Tibial muscular dystrophy, tardive. Identifiers: Orphanet 609, MedGen C1838244, MONDO:0010870, OMIM 600334.
Myopathy, myofibrillar, 9, with early respiratory failure (MFM9). Also called: Hereditary myopathy with early respiratory failure; EDSTROM MYOPATHY; MYOPATHY, PROXIMAL, WITH EARLY RESPIRATORY MUSCLE INVOLVEMENT; Myopathy, distal, with early respiratory failure, autosomal dominant. Identifiers: Orphanet 178464, Orphanet 34521, MedGen C1863599, MONDO:0011362, OMIM 603689.
Hypertrophic cardiomyopathy 9. Also called: Familial hypertrophic cardiomyopathy 9. Identifiers: MedGen C1861065, MONDO:0013412, OMIM 613765.
Early-onset myopathy with fatal cardiomyopathy (CMYO5). Also called: CONGENITAL MYOPATHY 5 WITH CARDIOMYOPATHY; Salih Myopathy. Identifiers: Orphanet 289377, MedGen C2673677, MONDO:0012714, OMIM 611705. Disease mechanism: loss of function.
Cardiomyopathy (CMYO). Also called: Cardiomyopathies. Identifiers: Orphanet 167848, MedGen C0878544, MONDO:0004994, HP:0001638. Inheritance: Various modes of inheritance.

Allele frequency attached by ClinVar (database versions not stated): 1000 Genomes Project 30x 0.00031; 1000 Genomes Project 0.00040; gnomAD 0.00040 and 0.00042; TOPMed 0.00040; ESP Exome Variant Server 0.00041; ExAC 0.00043; gnomAD exomes 0.00050.

Submissions 1 to 15 of 28:

Women's Health and Genetics/Laboratory Corporation of America, LabCorp
Classification: Likely benign. Last evaluated: 2026-04-29. Review status: criteria provided, single submitter. Criteria: LabCorp Variant Classification Summary - May 2015. Collection method: clinical testing. Allele origin: germline.
Comment: Variant summary: TTN c.49738A>G (p.Met16580Val) results in a conservative amino acid change located in the A-band region of the encoded protein sequence. Algorithms developed to predict the effect of missense changes on protein structure and function are either unavailable or do not agree on the potential impact of this missense change. The variant allele was found at a frequency of 0.0005 in 248042 control chromosomes, predominantly at a frequency of 0.0009 within the Non-Finnish European subpopulation in the gnomAD database, including 1 homozygotes. The observed variant frequency within Non-Finnish European control individuals in the gnomAD database exceeds the estimated maximal expected allele frequency for disease-causing variants in TTN. c.49738A>G has been reported in the literature in at least one individual affected with Dilated Cardiomyopathy, witout strong evidence for causality (e.g. Martinez-Barrios_2022). This report does not provide unequivocal conclusions about association of the variant with Dilated Cardiomyopathy. To our knowledge, no experimental evidence demonstrating an impact on protein function has been reported. The following publication has been ascertained in the context of this evaluation (PMID: 35207729). ClinVar contains an entry for this variant (Variation ID: 191935). Based on the evidence outlined above, the variant was classified as likely benign.

Mayo Clinic Laboratories, Mayo Clinic
Classification: Uncertain significance. Last evaluated: 2025-09-11. Review status: criteria provided, single submitter. Criteria: ACMG Guidelines, 2015. Collection method: clinical testing. Allele origin: germline. Observed: 1 variant allele.
Comment: BP4_moderate

PreventionGenetics, part of Exact Sciences
Classification: Likely benign for TTN-related condition. Last evaluated: 2025-05-21. Review status: criteria provided, single submitter. Criteria: ACMG Guidelines, 2015. Collection method: clinical testing. Allele origin: germline.
Comment: This variant is classified as likely benign based on ACMG/AMP sequence variant interpretation guidelines (Richards et al. 2015 PMID: 25741868, with internal and published modifications).

Athena Diagnostics
Classification: Likely benign. Last evaluated: 2025-04-14. Review status: criteria provided, single submitter. Criteria: Athena Diagnostics Criteria. Collection method: clinical testing. Allele origin: unknown.
Comment: The frequency of this variant in the general population is higher than would generally be expected for pathogenic variants in this gene. Computational tools predict this amino acid change may be benign.

Molecular Diagnostic Laboratory for Inherited Cardiovascular Disease, Montreal Heart Institute
Classification: Likely benign. Last evaluated: 2025-04-09. Review status: criteria provided, single submitter. Criteria: ACMG Guidelines, 2015. Collection method: clinical testing. Allele origin: germline. Affected: no.

Blueprint Genetics
Classification: Likely benign. Last evaluated: 2024-11-23. Review status: criteria provided, single submitter. Criteria: ACMG Guidelines, 2015. Collection method: clinical testing. Allele origin: germline.

Revvity Omics, Revvity
Classification: Likely benign. Last evaluated: 2024-05-27. Review status: criteria provided, single submitter. Criteria: ACMG Guidelines, 2015. Collection method: clinical testing. Allele origin: germline.

ARUP Laboratories, Molecular Genetics and Genomics, ARUP Laboratories
Classification: Uncertain significance. Last evaluated: 2023-08-24. Review status: criteria provided, single submitter. Criteria: ARUP Molecular Germline Variant Investigation Process 2024. Collection method: clinical testing. Allele origin: germline.
Comment: The TTN c.57442A>G; p.Met19148Val variant (rs188185141; ClinVar Variation ID: 191935) is rare in the general population (<0.2% allele frequency in the Genome Aggregation Database) and has been reported in individuals with hypertrophic cardiomyopathy and arrhythmogenic cardiomyopathy (Lopes 2013, Mates 2018). The clinical relevance of rare missense variants in this gene, which are identified on average once per individual sequenced in affected populations (Herman 2012), is not well understood. Yet, evidence suggests that the vast majority of such missense variants do not contribute to the clinical outcome of DCM (Begay 2015). Thus, the clinical significance of the p.Met19148Val variant cannot be determined with certainty. References: Lopes LR et al. Genetic complexity in hypertrophic cardiomyopathy revealed by high-throughput sequencing. J Med Genet. 2013 Apr;50(4):228-39. PMID: 23396983. Mates J et al. Role of copy number variants in sudden cardiac death and related diseases: genetic analysis and translation into clinical practice. Eur J Hum Genet. 2018 Jul;26(7):1014-1025. PMID: 29511324. Begay RL et al. Role of Titin Missense Variants in Dilated Cardiomyopathy. J Am Heart Assoc. 2015 Nov 13;4(11). PMID: 26567375. Herman DS et al. Truncations of titin causing dilated cardiomyopathy. N Engl J Med. 2012 Feb 16;366(7):619-28. PMID: 22335739. Linke WA and Hamdani N. Gigantic business: titin properties and function through thick and thin. Circ Res 2014; 114(6): 1052-1068. PMID: 24625729.

GeneDx
Classification: Likely benign. Last evaluated: 2021-04-27. Review status: criteria provided, single submitter. Criteria: GeneDx Variant Classification Process June 2021. Collection method: clinical testing. Allele origin: germline. Affected: yes.

Ambry Genetics
Classification: Likely benign for Cardiovascular phenotype. Last evaluated: 2020-05-06. Review status: criteria provided, single submitter. Criteria: Ambry Variant Classification Scheme 2023. Collection method: clinical testing. Allele origin: germline.

CHEO Genetics Diagnostic Laboratory, Children's Hospital of Eastern Ontario
Classification: Likely benign for Cardiomyopathy. Last evaluated: 2020-01-03. Review status: criteria provided, single submitter. Criteria: ACMG Guidelines, 2015. Collection method: clinical testing. Allele origin: germline.

Fulgent Genetics
Classification: Uncertain significance for Tibial muscular dystrophy; Myopathy, myofibrillar, 9, with early respiratory failure; Dilated cardiomyopathy 1G; Autosomal recessive limb-girdle muscular dystrophy type 2J; Early-onset myopathy with fatal cardiomyopathy; Hypertrophic cardiomyopathy 9. Last evaluated: 2018-10-31. Review status: criteria provided, single submitter. Criteria: ACMG Guidelines, 2015. Collection method: clinical testing. Allele origin: unknown.

Labcorp Genetics (formerly Invitae), Labcorp
Classification: Uncertain significance for Dilated cardiomyopathy 1G; Autosomal recessive limb-girdle muscular dystrophy type 2J. Last evaluated: 2017-12-14. Review status: criteria provided, single submitter. Criteria: Invitae Variant Classification Sherloc (09022015). Collection method: clinical testing. Allele origin: germline.

Laboratory for Molecular Medicine, Mass General Brigham Personalized Medicine
Classification: Uncertain significance. Last evaluated: 2017-10-10. Review status: criteria provided, single submitter. Criteria: LMM Criteria. Collection method: clinical testing. Allele origin: germline. Observed: 1 variant allele.
Comment: proposed classification - variant undergoing re-assessment, contact laboratory

Eurofins Ntd Llc (ga)
Classification: Uncertain significance. Last evaluated: 2017-09-06. Review status: criteria provided, single submitter. Criteria: EGL Classification Definitions 2015. Collection method: clinical testing. Allele origin: germline. Observed: 4 variant alleles, 4 heterozygotes.

NM_001267550.2(TTN):c.57442A>G (p.Met19148Val)

Genes: TTN (titin; minus strand), TTN-AS1 (TTN antisense RNA 1; plus strand). Cytogenetic location: 2q31.2.
Variant type: single nucleotide variant.
Coding change: c.57442A>G on transcript NM_001267550.2 (MANE Select); coding-DNA position 57442, A replaced by G.
Protein change: p.Met19148Val; replaces methionine 19148 with valine.
Molecular consequence: missense variant. On other transcripts: non-coding transcript variant (2).
Genome position (GRCh38, 1-based): chr2:178,597,640, T>C on the plus strand (A>G on the coding strand, the complement: TTN is on the minus strand). VCF-style: chr2-178597640-T-C. GRCh37 (hg19) VCF-style: chr2-179462367-T-C.
Other names: p.M17507V:ATG>GTG; c.30247A>G, p.Met10083Val (NM_003319.4); c.30622A>G, p.Met10208Val (NM_133432.3); c.30823A>G, p.Met10275Val (NM_133437.4); c.57442A>G (NM_001267550.1); c.52519A>G, p.Met17507Val (NM_001256850.1); c.49738A>G, p.Met16580Val (NM_133378.4); short protein forms M16580V, M19148V, M17507V, M10208V, M10083V, M10275V.
Identifiers: ClinVar variation 191935 (VCV000191935.39), dbSNP rs188185141, ClinGen allele CA302461.